The following is an entry in ClinVar:

GRCh37/hg19 9p24.3-13.1(chr9:203861-38787480)x3

Genes: ACER2 (alkaline ceramidase 2; plus strand), ACO1 (aconitase 1; plus strand), ADAMTSL1 (ADAMTS like 1; plus strand), AK3 (adenylate kinase 3; minus strand), ALDH1B1 (aldehyde dehydrogenase 1 family member B1; plus strand) and 191 more. Cytogenetic location: 9p24.3-13.1.
Variant type: copy number gain.
Change: copy number 3 (three copies instead of two) of chr9:203,861-38,787,480 (38.58 Mb, GRCh37 coordinates, 1-based), cytogenetic band 9p24.3-13.1.
Identifiers: ClinVar variation 563683 (VCV000563683.3).

ClinVar aggregate classification (germline): Pathogenic (1 of 4 stars; one submission).

Submission:

Quest Diagnostics Nichols Institute San Juan Capistrano
Classification: Pathogenic. Last evaluated: 2023-04-28. Review status: criteria provided, single submitter. Criteria: ACMG/ClinGen CNV Guidelines, 2019. Collection method: clinical testing. Allele origin: unknown.
Comment: The copy number gain of 9p24.3p21.1 involves numerous genes across multiple chromosomal bands and overlaps the critical region for 9p duplication syndrome (also known as partial trisomy 9p) (Abu-Amero 2010, Cammarata-Scalisi 2019, Tkemaladze 2023, Sams 2021, Guilherme 2014, Al Achkar 2010, Boxill 2018). Thus, based on current medical literature and gene content, this copy number variant (CNV) is classified as pathogenic. References: Abu-Amero et al., BMC Med Genet. 2010 Sep 21;11:135. PMID: 20858261 Al Achkar et al., Mol Cytogenet 2010;3:18, PMID: 20920324 Boxill et al., Am J Med Genet A. 2018 Jun;176(6):1416-1422. PMID: 29663640 Cammarata-Scalisi F., Arch Argent Pediatr 2019;117(5):e473-e476, PMID: 31560494 Guilherme et al., BMC Med Genet. 2014 Dec 20;15:142. PMID: 25526829 Sams et al., HGG Adv. 2021 Dec 24;3(1):100081. PMID: 35047865 Tkemaladze et al., SAGE Open Med Case Rep. 2023 Mar 21;11:2050313X231160883. PMID: 36968988 Vundinti et al., Indian J Hum Genet. 2007 Jan;13(1):33-5. PMID: 21957340